The following is an entry in ClinVar:

ClinVar aggregate classification (germline): Likely benign (1 of 4 stars; one submission).

Conditions:
PAX3-related disorder. Also called: PAX3-related condition.

gnomAD v4.1: 31 of 1,613,830 alleles (0.0019%); highest among the groups gnomAD compares: African/African-American, 0.013%; no homozygotes.

Submission:

PreventionGenetics, part of Exact Sciences
Classification: Likely benign for PAX3-related condition. Last evaluated: 2026-08-21. Review status: criteria provided, single submitter. Criteria: ACMG Guidelines, 2015. Collection method: clinical testing. Allele origin: germline.
Comment: This variant is classified as likely benign based on ACMG/AMP sequence variant interpretation guidelines (Richards et al. 2015 PMID: 25741868, with internal and published modifications).

NM_181458.4(PAX3):c.1119G>A (p.Pro373=)

Genes: PAX3 (paired box 3; minus strand), LOC126806529 (CDK7 strongly-dependent group 2 enhancer GRCh37_chr2:223084735-223085934; plus strand). Cytogenetic location: 2q36.1.
Variant type: single nucleotide variant.
Coding change: c.1119G>A on transcript NM_181458.4 (MANE Select); coding-DNA position 1119, G replaced by A.
Protein change: p.Pro373=; no amino-acid change (proline 373 retained).
Molecular consequence: synonymous variant.
Genome position (GRCh38, 1-based): chr2:222,220,194, C>T on the plus strand (G>A on the coding strand, the complement: PAX3 is on the minus strand). VCF-style: chr2-222220194-C-T. GRCh37 (hg19) VCF-style: chr2-223084913-C-T.
Other names: c.1116G>A, p.Pro372= (NM_001127366.3); c.1119G>A, p.Pro373= (NM_181457.4, NM_181459.4, NM_181460.4 and 1 more transcripts).
Identifiers: ClinVar variation 4980661 (VCV004980661.1).
Genomic context (GRCh38, chr2:222,220,194, plus strand): 5'-ACTGACCTGAGGTGAGAGGCCATTGCCAATGGTGGGGTTCATGGGGTTGGAGGGCCCCGA[C>T]GGAGGCACAAAGCTGTCTGTATAGCTGGAAAATCCATGCCTGGTGCTGGGGAGGCAGTAG-3'
Protein context (NP_852123.1, residues 363-383): FSSYTDSFVP[Pro373=]SGPSNPMNPT